The following is an entry in ClinVar:

NM_005018.3(PDCD1):c.*889G>A

Gene: PDCD1 (programmed cell death 1; minus strand). Cytogenetic location: 2q37.3.
Variant type: single nucleotide variant.
Coding change: c.*889G>A on transcript NM_005018.3 (MANE Select); 889 bases downstream of the stop codon, G replaced by A.
Molecular consequence: 3 prime UTR variant.
Genome position (GRCh38, 1-based): chr2:241,850,169, C>T on the plus strand (G>A on the coding strand, the complement: PDCD1 is on the minus strand). VCF-style: chr2-241850169-C-T. GRCh37 (hg19) VCF-style: chr2-242792321-C-T.
Identifiers: ClinVar variation 1255049 (VCV001255049.3), dbSNP rs10204525, ClinGen allele CA11143160.

ClinVar aggregate classification (germline): Benign. Review status: criteria provided, multiple submitters, no conflicts (2 of 4 stars). 2 submissions from 2 submitters: Benign (2). Last evaluated 2020-10-29.

Allele frequency attached by ClinVar (database versions not stated): gnomAD 0.21174 and 0.21726; gnomAD exomes 0.22670; TOPMed 0.24495; 1000 Genomes Project 30x 0.34775; 1000 Genomes Project 0.35144.
gnomAD v4.1: 50,909 of 232,418 alleles (22%); highest among the groups gnomAD compares: East Asian, 74%; 9,473 homozygotes.

Submissions (2):

GeneDx
Classification: Benign. Last evaluated: 2020-10-29. Review status: criteria provided, single submitter. Criteria: GeneDx Variant Classification Process June 2021. Collection method: clinical testing. Allele origin: germline. Affected: yes.
Comment: This variant is associated with the following publications: (PMID: 30540488, 25895129)

Breakthrough Genomics
Classification: Benign. Review status: criteria provided, single submitter. Criteria: ACMG Guidelines, 2015. Collection method: not provided. Allele origin: germline. Inheritance: Multifactorial inheritance. Affected: yes.